The following is an entry in ClinVar:

NM_024685.4(BBS10):c.881C>T (p.Thr294Ile)

Gene: BBS10 (Bardet-Biedl syndrome 10; minus strand). Cytogenetic location: 12q21.2.
Variant type: single nucleotide variant.
Coding change: c.881C>T on transcript NM_024685.4 (MANE Select); coding-DNA position 881, C replaced by T.
Protein change: p.Thr294Ile; replaces threonine 294 with isoleucine.
Molecular consequence: missense variant.
Genome position (GRCh38, 1-based): chr12:76,347,104, G>A on the plus strand (C>T on the coding strand, the complement: BBS10 is on the minus strand). VCF-style: chr12-76347104-G-A. GRCh37 (hg19) VCF-style: chr12-76740884-G-A.
Other names: short protein forms T294I.
Identifiers: ClinVar variation 1896759 (VCV001896759.3), dbSNP rs764108398, ClinGen allele CA6694270.
Genomic context (GRCh38, chr12:76,347,104, plus strand): 5'-TTCACACTAGATATGAGCAATTTTACATTCTGACTATGTAGATGTTTCATTATTGCTTTT[G>A]TCTTTTCCATAATCCAAAATTGAGATGTCTGAAACTGTGCTTCTGAATTTAGAATAAACT-3'
Protein context (NP_078961.3, residues 284-304): QTSQFWIMEK[Thr294Ile]KAIMKHLHSQ

ClinVar aggregate classification (germline): Uncertain significance. Review status: criteria provided, multiple submitters, no conflicts (2 of 4 stars). 2 submissions from 2 submitters: Uncertain significance (2). Last evaluated 2022-05-31.

Conditions:
Bardet-Biedl syndrome (BBS). Identifiers: Orphanet 110, MedGen C0752166, MONDO:0015229.

Allele frequency attached by ClinVar (database versions not stated): ExAC 0.00001; gnomAD 0.00001; TOPMed 0.00002.
gnomAD v4.1: 4 of 1,612,326 alleles (0.00025%); highest among the groups gnomAD compares: East Asian, 0.0067%; no homozygotes.

Submissions (2):

Labcorp Genetics (formerly Invitae), Labcorp
Classification: Uncertain significance for Bardet-Biedl syndrome. Last evaluated: 2022-05-31. Review status: criteria provided, single submitter. Criteria: Invitae Variant Classification Sherloc (09022015). Collection method: clinical testing. Allele origin: germline.
Comment: This sequence change replaces threonine, which is neutral and polar, with isoleucine, which is neutral and non-polar, at codon 294 of the BBS10 protein (p.Thr294Ile). This variant is present in population databases (rs764108398, gnomAD 0.006%). This variant has not been reported in the literature in individuals affected with BBS10-related conditions. Algorithms developed to predict the effect of missense changes on protein structure and function are either unavailable or do not agree on the potential impact of this missense change (SIFT: "Tolerated"; PolyPhen-2: "Probably Damaging"; Align-GVGD: "Class C0"). In summary, the available evidence is currently insufficient to determine the role of this variant in disease. Therefore, it has been classified as a Variant of Uncertain Significance.

Blueprint Genetics
Classification: Uncertain significance. Last evaluated: 2017-09-23. Review status: criteria provided, single submitter. Criteria: ACMG Guidelines, 2015. Collection method: clinical testing. Allele origin: germline.